The following is an entry in ClinVar:

NM_001365951.3(KIF1B):c.2778G>C (p.Glu926Asp)

Genes: KIF1B (kinesin family member 1B; plus strand), LOC126805614 (BRD4-independent group 4 enhancer GRCh37_chr1:10385546-10386745; plus strand). Cytogenetic location: 1p36.22.
Variant type: single nucleotide variant.
Coding change: c.2778G>C on transcript NM_001365951.3 (MANE Select); coding-DNA position 2778, G replaced by C.
Protein change: p.Glu926Asp; replaces glutamic acid 926 with aspartic acid.
Molecular consequence: missense variant.
Genome position (GRCh38, 1-based): chr1:10,326,213, G>C. VCF-style: chr1-10326213-G-C. GRCh37 (hg19) VCF-style: chr1-10386271-G-C.
Other names: c.2778G>C, p.Glu926Asp (NM_001365952.1); c.2640G>C, p.Glu880Asp (NM_015074.3); short protein forms E880D, E926D.
Identifiers: ClinVar variation 3226412 (VCV003226412.1), dbSNP rs2521639662, ClinGen allele CA338337104.
Genomic context (GRCh38, chr1:10,326,213, plus strand): 5'-CCGCACACCCTCCCCCACTTTTTCCACGGCCGATTCCGACATCACTGAGCTGGCTGACGA[G>C]CAGCAAGATGAGATGGAGGATTTTGATGATGAGGCATTCGTGGATGACGCCGGCTCTGAC-3'
Protein context (NP_001352880.1, residues 916-936): ADSDITELAD[Glu926Asp]QQDEMEDFDD

ClinVar aggregate classification (germline): Uncertain significance (1 of 4 stars; one submission).

Submission:

Ambry Genetics
Classification: Uncertain significance. Last evaluated: 2023-10-12. Review status: criteria provided, single submitter. Criteria: Ambry Variant Classification Scheme 2023. Collection method: clinical testing. Allele origin: germline.
Comment: The p.E880D variant (also known as c.2640G>C), located in coding exon 24 of the KIF1B gene, results from a G to C substitution at nucleotide position 2640. The glutamic acid at codon 880 is replaced by aspartic acid, an amino acid with highly similar properties. This amino acid position is conserved. In addition, the in silico prediction for this alteration is inconclusive. Since supporting evidence is limited at this time, the clinical significance of this alteration remains unclear.